The following is an entry in ClinVar:

NM_000548.5(TSC2):c.5398G>A (p.Val1800Met)

Gene: TSC2 (TSC complex subunit 2; plus strand). Cytogenetic location: 16p13.3.
Variant type: single nucleotide variant.
Coding change: c.5398G>A on transcript NM_000548.5 (MANE Select); coding-DNA position 5398, G replaced by A.
Protein change: p.Val1800Met; replaces valine 1800 with methionine.
Molecular consequence: missense variant. On other transcripts: non-coding transcript variant (5).
Genome position (GRCh38, 1-based): chr16:2,088,584, G>A. VCF-style: chr16-2088584-G-A. GRCh37 (hg19) VCF-style: chr16-2138585-G-A.
Other names: c.5197G>A, p.Val1733Met (NM_001077183.3); c.5329G>A, p.Val1777Met (NM_001114382.3); c.5089G>A, p.Val1697Met (NM_001318827.2); c.5053G>A, p.Val1685Met (NM_001318829.2); c.4666G>A, p.Val1556Met (NM_001318831.2); c.5230G>A, p.Val1744Met (NM_001318832.2); c.5200G>A, p.Val1734Met (NM_001363528.2); c.5266G>A, p.Val1756Met (NM_001370404.1); and 27 more; short protein forms V1308M, V1309M, V1329M, V1534M, V1556M, V1576M, V1600M, V1684M.
Identifiers: ClinVar variation 2624600 (VCV002624600.2), dbSNP rs2151642819, ClinGen allele CA394316137.

ClinVar aggregate classification (germline): Uncertain significance (1 of 4 stars; one submission).

Conditions:
Hereditary cancer-predisposing syndrome. Also called: Tumor predisposition; Hereditary Cancer Syndrome; Hereditary neoplastic syndrome; Neoplastic Syndromes, Hereditary. Identifiers: Orphanet 140162, MedGen C0027672, MeSH D009386, MONDO:0015356.

Allele frequency attached by ClinVar (database versions not stated): gnomAD exomes below 0.00001.
gnomAD v4.1: 1 of 1,607,084 alleles (0.000062%); highest among the groups gnomAD compares: Non-Finnish European, 0.000085%; no homozygotes.

Submission:

Ambry Genetics
Classification: Uncertain significance for Hereditary cancer-predisposing syndrome. Last evaluated: 2023-09-07. Review status: criteria provided, single submitter. Criteria: Ambry Variant Classification Scheme 2023. Collection method: clinical testing. Allele origin: germline.
Comment: The p.V1800M variant (also known as c.5398G>A), located in coding exon 41 of the TSC2 gene, results from a G to A substitution at nucleotide position 5398. The valine at codon 1800 is replaced by methionine, an amino acid with highly similar properties. This amino acid position is conserved. In addition, this alteration is predicted to be deleterious by in silico analysis. Since supporting evidence is limited at this time, the clinical significance of this alteration remains unclear.